The following is an entry in ClinVar:

ClinVar aggregate classification (germline): Benign/Likely benign. Review status: criteria provided, multiple submitters, no conflicts (2 of 4 stars). 10 submissions from 10 submitters: Benign (4); Likely benign (4). 2 of the submissions do not count toward it. Last evaluated 2026-01-24.

Conditions:
Retinal dystrophy. Also called: Inherited retinal dystrophy. Identifiers: Orphanet 71862, MedGen C0854723, MeSH D058499, MONDO:0019118, HP:0000556.
Retinitis pigmentosa (RP). Identifiers: Orphanet 791, MedGen C0035334, MeSH D012174, MONDO:0019200, OMIM 268000. Inheritance: Autosomal dominant, autosomal recessive and X linked inheritance.

Allele frequency attached by ClinVar (database versions not stated): 1000 Genomes Project 30x 0.00047; 1000 Genomes Project 0.00060; TOPMed 0.00205; gnomAD exomes 0.00273 and 0.00344; ESP Exome Variant Server 0.00331; gnomAD 0.00360 and 0.00375; ExAC 0.00366.
gnomAD v4.1: 4,495 of 1,614,002 alleles (0.28%); highest among the groups gnomAD compares: Non-Finnish European, 0.3%; 29 homozygotes.

Submissions (10):

Labcorp Genetics (formerly Invitae), Labcorp
Classification: Benign. Last evaluated: 2026-01-24. Review status: criteria provided, single submitter. Criteria: Invitae Variant Classification Sherloc (09022015). Collection method: clinical testing. Allele origin: germline.

CeGaT Center for Human Genetics Tuebingen
Classification: Benign. Last evaluated: 2025-11-01. Review status: criteria provided, single submitter. Criteria: CeGaT Center For Human Genetics Tuebingen Variant Classification Criteria Version 2. Collection method: clinical testing. Allele origin: germline. Affected: yes. Observed: 8 variant alleles.
Comment: ROM1: BP4, BS1, BS2

Blueprint Genetics
Classification: Likely benign. Last evaluated: 2024-11-27. Review status: criteria provided, single submitter. Criteria: ACMG Guidelines, 2015. Collection method: clinical testing. Allele origin: germline.

Mendelics
Classification: Benign. Last evaluated: 2019-05-28. Review status: criteria provided, single submitter. Criteria: Mendelics Assertion Criteria 2017. Collection method: clinical testing. Allele origin: unknown.

Illumina Laboratory Services, Illumina
Classification: Likely benign for Retinitis pigmentosa. Last evaluated: 2018-03-06. Review status: criteria provided, single submitter. Criteria: ICSL Variant Classification Criteria 13 December 2019. Collection method: clinical testing. Allele origin: germline.
Comment: This variant was observed in the ICSL laboratory as part of a predisposition screen in an ostensibly healthy population. It had not been previously curated by ICSL or reported in the Human Gene Mutation Database (HGMD: prior to June 1st, 2018), and was therefore a candidate for classification through an automated scoring system. Utilizing variant allele frequency, disease prevalence and penetrance estimates, and inheritance mode, an automated score was calculated to assess if this variant is too frequent to cause the disease. Based on the score and internal cut-off values, a variant classified as likely benign is not then subjected to further curation. The score for this variant resulted in a classification of likely benign for this disease.

Eurofins Ntd Llc (ga)
Classification: Benign. Last evaluated: 2014-12-31. Review status: criteria provided, single submitter. Criteria: EGL Classification Definitions 2015. Collection method: clinical testing. Allele origin: germline. Observed: 2 variant alleles, 2 heterozygotes.

Institute of Human Genetics, Univ. Regensburg, Univ. Regensburg
Classification: Likely benign for Retinal dystrophy. Last evaluated: 2014-01-01. Review status: criteria provided, single submitter. Criteria: ACMG Guidelines, 2015. Collection method: clinical testing. Allele origin: germline. Affected: yes.

Breakthrough Genomics
Classification: Likely benign. Review status: criteria provided, single submitter. Criteria: ACMG Guidelines, 2015. Collection method: not provided. Allele origin: germline. Inheritance: Autosomal recessive inheritance. Affected: yes.

Clinical Genetics, Academic Medical Center
Classification: Likely benign. Review status: no assertion criteria provided. Collection method: clinical testing. Allele origin: germline. Affected: yes. Study: VKGL Data-share Consensus. Not counted in ClinVar's aggregate classification.

Laboratory of Diagnostic Genome Analysis, Leiden University Medical Center (LUMC)
Classification: Likely benign. Review status: no assertion criteria provided. Collection method: clinical testing. Allele origin: germline. Affected: yes. Study: VKGL Data-share Consensus. Not counted in ClinVar's aggregate classification.

Literature cited by the submitters: PubMed 20335603 (cited by Eurofins Ntd Llc (ga) and Institute of Human Genetics, Univ. Regensburg, Univ. Regensburg); PubMed 3442652 (cited by Institute of Human Genetics, Univ. Regensburg, Univ. Regensburg).

NM_000327.4(ROM1):c.686G>A (p.Arg229His)

Gene: ROM1 (retinal outer segment membrane protein 1; plus strand). Cytogenetic location: 11q12.3.
Variant type: single nucleotide variant.
Coding change: c.686G>A on transcript NM_000327.4 (MANE Select); coding-DNA position 686, G replaced by A.
Protein change: p.Arg229His; replaces arginine 229 with histidine.
Molecular consequence: missense variant.
Genome position (GRCh38, 1-based): chr11:62,614,353, G>A. VCF-style: chr11-62614353-G-A. GRCh37 (hg19) VCF-style: chr11-62381825-G-A.
Other names: short protein forms R229H.
Identifiers: ClinVar variation 195064 (VCV000195064.44), dbSNP rs150168119, ClinGen allele CA201531.
Genomic context (GRCh38, chr11:62,614,353, plus strand): 5'-CTGATGGGGTCCCTTTCTCCTGTTGCAACCCCCACTCACCCCGGCCTTGCCTGCAAAACC[G>A]TCTTTCAGACTCCTACGCCCACCCCCTGTTCGATCCCCGACAACCCAACCAAAACCTCTG-3'
Protein context (NP_000318.2, residues 219-239): PHSPRPCLQN[Arg229His]LSDSYAHPLF